The following is an entry in ClinVar:

NM_005228.5(EGFR):c.3181A>C (p.Lys1061Gln)

Gene: EGFR (epidermal growth factor receptor; plus strand). Cytogenetic location: 7p11.2.
Variant type: single nucleotide variant.
Coding change: c.3181A>C on transcript NM_005228.5 (MANE Select); coding-DNA position 3181, A replaced by C.
Protein change: p.Lys1061Gln; replaces lysine 1061 with glutamine.
Molecular consequence: missense variant.
Genome position (GRCh38, 1-based): chr7:55,202,535, A>C. VCF-style: chr7-55202535-A-C. GRCh37 (hg19) VCF-style: chr7-55270228-A-C.
Other names: c.3046A>C, p.Lys1016Gln (NM_001346897.2, NM_001346899.2); c.3181A>C, p.Lys1061Gln (NM_001346898.2); c.3022A>C, p.Lys1008Gln (NM_001346900.2); c.2380A>C, p.Lys794Gln (NM_001346941.2); short protein forms K1008Q, K1016Q, K794Q, K1061Q.
Identifiers: ClinVar variation 3020999 (VCV003020999.4), dbSNP rs748111724, ClinGen allele CA4266316.

ClinVar aggregate classification (germline): Uncertain significance. Review status: criteria provided, multiple submitters, no conflicts (2 of 4 stars). 2 submissions from 2 submitters: Uncertain significance (2). Last evaluated 2025-09-04.

Conditions:
Hereditary cancer-predisposing syndrome. Also called: Tumor predisposition; Hereditary neoplastic syndrome; Hereditary Cancer Syndrome; Neoplastic Syndromes, Hereditary. Identifiers: Orphanet 140162, MedGen C0027672, MeSH D009386, MONDO:0015356.
EGFR-related lung cancer (EGFR). Identifiers: MedGen CN130014.

Allele frequency attached by ClinVar (database versions not stated): gnomAD exomes 0.00001; ExAC 0.00011.
gnomAD v4.1: 16 of 1,611,024 alleles (0.00099%); highest among the groups gnomAD compares: Non-Finnish European, 0.0011%; no homozygotes.

Submissions (2):

Ambry Genetics
Classification: Uncertain significance for Hereditary cancer-predisposing syndrome. Last evaluated: 2025-09-04. Review status: criteria provided, single submitter. Criteria: Ambry Variant Classification Scheme 2023. Collection method: clinical testing. Allele origin: germline.
Comment: The p.K1061Q variant (also known as c.3181A>C), located in coding exon 27 of the EGFR gene, results from an A to C substitution at nucleotide position 3181. The lysine at codon 1061 is replaced by glutamine, an amino acid with similar properties. This amino acid position is conserved. In addition, this alteration is predicted to be tolerated by in silico analysis. Based on the available evidence, the clinical significance of this variant remains unclear.

Labcorp Genetics (formerly Invitae), Labcorp
Classification: Uncertain significance for EGFR-related lung cancer. Last evaluated: 2025-08-22. Review status: criteria provided, single submitter. Criteria: Invitae Variant Classification Sherloc (09022015). Collection method: clinical testing. Allele origin: germline.
Comment: This sequence change replaces lysine, which is basic and polar, with glutamine, which is neutral and polar, at codon 1061 of the EGFR protein (p.Lys1061Gln). This variant is present in population databases (rs748111724, gnomAD 0.008%). This variant has not been reported in the literature in individuals affected with EGFR-related conditions. ClinVar contains an entry for this variant (Variation ID: 3020999). An algorithm developed to predict the effect of missense changes on protein structure and function outputs the following: PolyPhen-2: "Benign". The glutamine amino acid residue is found in multiple mammalian species, which suggests that this missense change does not adversely affect protein function. In summary, the available evidence is currently insufficient to determine the role of this variant in disease. Therefore, it has been classified as a Variant of Uncertain Significance.